The following is an entry in ClinVar:

NM_000256.3(MYBPC3):c.348C>A (p.Ala116=)

Gene: MYBPC3 (myosin binding protein C3; minus strand). Cytogenetic location: 11p11.2.
Variant type: single nucleotide variant.
Coding change: c.348C>A on transcript NM_000256.3 (MANE Select); coding-DNA position 348, C replaced by A.
Protein change: p.Ala116=; no amino-acid change (alanine 116 retained).
Molecular consequence: synonymous variant.
Genome position (GRCh38, 1-based): chr11:47,350,560, G>T on the plus strand (C>A on the coding strand, the complement: MYBPC3 is on the minus strand). VCF-style: chr11-47350560-G-T. GRCh37 (hg19) VCF-style: chr11-47372111-G-T.
Other names: c.348C>A, p.Ala116= (LRG_386t1).
Identifiers: ClinVar variation 264580 (VCV000264580.14), dbSNP rs886039198, ClinGen allele CA10587733.

ClinVar aggregate classification (germline): Likely benign. Review status: criteria provided, multiple submitters, no conflicts (2 of 4 stars). 3 submissions from 3 submitters: Likely benign (3). Last evaluated 2023-03-23.

Conditions:
Hypertrophic cardiomyopathy. Also called: HYPERTROPHIC MYOCARDIOPATHY. Identifiers: Orphanet 217569, MedGen C0007194, MeSH D002312, MONDO:0005045, HP:0001639.
Cardiovascular phenotype. Identifiers: MedGen CN230736.

Allele frequency attached by ClinVar (database versions not stated): gnomAD exomes 0.00001.
gnomAD v4.1: 17 of 1,545,468 alleles (0.0011%); highest among the groups gnomAD compares: Non-Finnish European, 0.0015%; no homozygotes.

Submissions (3):

All of Us Research Program, National Institutes of Health
Classification: Likely benign for Hypertrophic cardiomyopathy. Last evaluated: 2023-03-23. Review status: criteria provided, single submitter. Criteria: ACMG Guidelines, 2015. Collection method: clinical testing. Allele origin: germline. Inheritance: Autosomal dominant inheritance. Observed: 1 variant allele, 1 heterozygote.
Comment: This study involves interpretation of variants in research participants for the purpose of population health screening. Participant phenotype was not available at the time of variant classification. Additional details can be found in publication PMID: 35346344, PMCID: PMC8962531

Labcorp Genetics (formerly Invitae), Labcorp
Classification: Likely benign for Hypertrophic cardiomyopathy. Last evaluated: 2019-10-25. Review status: criteria provided, single submitter. Criteria: Invitae Variant Classification Sherloc (09022015). Collection method: clinical testing. Allele origin: germline.

Ambry Genetics
Classification: Likely benign for Cardiovascular phenotype. Last evaluated: 2015-12-30. Review status: criteria provided, single submitter. Criteria: Ambry Variant Classification Scheme 2023. Collection method: clinical testing. Allele origin: germline.